The following is an entry in ClinVar:

ClinVar aggregate classification (germline): Pathogenic (1 of 4 stars; one submission).

Conditions:
Familial adenomatous polyposis 4 (FAP4). Also called: MSH3-related attenuated familial adenomatous polyposis. Identifiers: Orphanet 480536, MedGen C4310719, MONDO:0044300, OMIM 617100.

Submission:

Myriad Genetics, Inc.
Classification: Pathogenic for Familial adenomatous polyposis 4. Last evaluated: 2023-08-29. Review status: criteria provided, single submitter. Criteria: Myriad Autosomal Dominant, Autosomal Recessive and X-Linked Classification Criteria (2023). Collection method: clinical testing. Allele origin: unknown.
Comment: This variant is considered pathogenic. This variant creates a frameshift predicted to result in premature protein truncation.

NM_002439.5(MSH3):c.337delinsTT (p.Leu113fs)

Gene: MSH3 (mutS homolog 3; plus strand). Cytogenetic location: 5q14.1.
Variant type: Indel.
Coding change: c.337delinsTT on transcript NM_002439.5 (MANE Select); coding-DNA position 337, C replaced by TT.
Protein change: p.Leu113fs; shifts the reading frame from leucine 113.
Molecular consequence: frameshift variant.
Genome position (GRCh38, 1-based): chr5:80,656,510, C replaced by TT. VCF-style: chr5-80656510-C-TT. GRCh37 (hg19) VCF-style: chr5-79952329-C-TT.
Other names: short protein forms L113fs.
Identifiers: ClinVar variation 2673535 (VCV002673535.1), dbSNP rs2546712283, ClinGen allele CA2695198639.
Genomic context (GRCh38, chr5:80,656,510, plus strand): 5'-AATGATGGGCCTGTTAAAAAGAAAGTAAAGAAAGTCCAACAAAAGGAAGGAGGAAGTGAT[C>TT]TGGGAATGTCTGGCAACTCTGGTGAGTTGTGGGGGATTCTTTTTTCTCCTCAGTCATGGC-3'